The following is an entry in ClinVar:

ClinVar aggregate classification (germline): Uncertain significance (1 of 4 stars; one submission).

gnomAD v4.1: 16 of 1,614,178 alleles (0.00099%); highest among the groups gnomAD compares: Non-Finnish European, 0.0013%; no homozygotes.

Submission:

Labcorp Genetics (formerly Invitae), Labcorp
Classification: Uncertain significance. Last evaluated: 2025-03-12. Review status: criteria provided, single submitter. Criteria: Invitae Variant Classification Sherloc (09022015). Collection method: clinical testing. Allele origin: germline.
Comment: This sequence change replaces asparagine, which is neutral and polar, with threonine, which is neutral and polar, at codon 789 of the JAK1 protein (p.Asn789Thr). This variant is present in population databases (rs570094081, gnomAD 0.002%). This variant has not been reported in the literature in individuals affected with JAK1-related conditions. Invitae Evidence Modeling of protein sequence and biophysical properties (such as structural, functional, and spatial information, amino acid conservation, physicochemical variation, residue mobility, and thermodynamic stability) indicates that this missense variant is not expected to disrupt JAK1 protein function with a negative predictive value of 80%. In summary, the available evidence is currently insufficient to determine the role of this variant in disease. Therefore, it has been classified as a Variant of Uncertain Significance.

NM_002227.4(JAK1):c.2366A>C (p.Asn789Thr)

Gene: JAK1 (Janus kinase 1; minus strand). Cytogenetic location: 1p31.3.
Variant type: single nucleotide variant.
Coding change: c.2366A>C on transcript NM_002227.4 (MANE Select); coding-DNA position 2366, A replaced by C.
Protein change: p.Asn789Thr; replaces asparagine 789 with threonine.
Molecular consequence: missense variant.
Genome position (GRCh38, 1-based): chr1:64,844,101, T>G on the plus strand (A>C on the coding strand, the complement: JAK1 is on the minus strand). VCF-style: chr1-64844101-T-G. GRCh37 (hg19) VCF-style: chr1-65309784-T-G.
Other names: c.2366A>C, p.Asn789Thr (NM_001320923.2, NM_001321852.2, NM_001321853.2 and 3 more transcripts); c.2363A>C, p.Asn788Thr (NM_001321857.2); short protein forms N788T, N789T.
Identifiers: ClinVar variation 4764412 (VCV004764412.1).